The following is an entry in ClinVar:

NM_005477.3(HCN4):c.380A>T (p.Glu127Val)

Gene: HCN4 (hyperpolarization activated cyclic nucleotide gated potassium channel 4; minus strand). Cytogenetic location: 15q24.1.
Variant type: single nucleotide variant.
Coding change: c.380A>T on transcript NM_005477.3 (MANE Select); coding-DNA position 380, A replaced by T.
Protein change: p.Glu127Val; replaces glutamic acid 127 with valine.
Molecular consequence: missense variant.
Genome position (GRCh38, 1-based): chr15:73,367,891, T>A on the plus strand (A>T on the coding strand, the complement: HCN4 is on the minus strand). VCF-style: chr15-73367891-T-A. GRCh37 (hg19) VCF-style: chr15-73660232-T-A.
Other names: short protein forms E127V.
Identifiers: ClinVar variation 3636620 (VCV003636620.2).

ClinVar aggregate classification (germline): Uncertain significance (1 of 4 stars; one submission).

Conditions:
Brugada syndrome 8 (BRGDA8). Identifiers: Orphanet 130, MedGen C2751083, MONDO:0013148, OMIM 613123.

Submission:

Labcorp Genetics (formerly Invitae), Labcorp
Classification: Uncertain significance for Brugada syndrome 8. Last evaluated: 2024-12-16. Review status: criteria provided, single submitter. Criteria: Invitae Variant Classification Sherloc (09022015). Collection method: clinical testing. Allele origin: germline.
Comment: This sequence change replaces glutamic acid, which is acidic and polar, with valine, which is neutral and non-polar, at codon 127 of the HCN4 protein (p.Glu127Val). This variant is not present in population databases (gnomAD no frequency). This variant has not been reported in the literature in individuals affected with HCN4-related conditions. Invitae Evidence Modeling of protein sequence and biophysical properties (such as structural, functional, and spatial information, amino acid conservation, physicochemical variation, residue mobility, and thermodynamic stability) has been performed for this missense variant. However, the output from this modeling did not meet the statistical confidence thresholds required to predict the impact of this variant on HCN4 protein function. In summary, the available evidence is currently insufficient to determine the role of this variant in disease. Therefore, it has been classified as a Variant of Uncertain Significance.